The following is an entry in ClinVar:

NM_133433.4(NIPBL):c.5051C>A (p.Thr1684Lys)

Gene: NIPBL (NIPBL cohesin loading factor; plus strand). Cytogenetic location: 5p13.2.
Variant type: single nucleotide variant.
Coding change: c.5051C>A on transcript NM_133433.4 (MANE Select); coding-DNA position 5051, C replaced by A.
Protein change: p.Thr1684Lys; replaces threonine 1684 with lysine.
Molecular consequence: missense variant.
Genome position (GRCh38, 1-based): chr5:37,020,499, C>A. VCF-style: chr5-37020499-C-A. GRCh37 (hg19) VCF-style: chr5-37020601-C-A.
Other names: c.5051C>A, p.Thr1684Lys (NM_015384.5); c.5051C>A (NM_133433.3); short protein forms T1684K.
Identifiers: ClinVar variation 1331030 (VCV001331030.11), dbSNP rs774109272, ClinGen allele CA117027932.
Genomic context (GRCh38, chr5:37,020,499, plus strand): 5'-TCTGTCTAATTTCTTTCCAGTTTTCTCGTAAATTCTATATAGCCCAGTGGTTTCGAGACA[C>A]AACTCTGGAAACAGAAAAAGCAATGAAATCACAAAAAGATGAAGAATCATCTGAAGGAAC-3'
Protein context (NP_597677.2, residues 1674-1694): KFYIAQWFRD[Thr1684Lys]TLETEKAMKS

ClinVar aggregate classification (germline): Conflicting classifications of pathogenicity. Review status: criteria provided, conflicting classifications (1 of 4 stars). 3 submissions from 3 submitters: Uncertain significance (2); Likely benign (1). Last evaluated 2025-03-28.

Conditions:
Inborn genetic diseases. Identifiers: MedGen C0950123, MeSH D030342.
Cornelia de Lange syndrome 1 (CDLS1). Also called: Brachmann de Lange syndrome; NIPBL-Related Cornelia de Lange Syndrome; TYPUS DEGENERATIVUS AMSTELODAMENSIS. Identifiers: Orphanet 199, MedGen C4551851, MONDO:0007387, OMIM 122470.

Allele frequency attached by ClinVar (database versions not stated): gnomAD exomes below 0.00001; gnomAD 0.00004.
gnomAD v4.1: 57 of 1,613,632 alleles (0.0035%); highest among the groups gnomAD compares: Non-Finnish European, 0.0045%; no homozygotes.

Submissions (3):

Ambry Genetics
Classification: Likely benign for Inborn genetic diseases. Last evaluated: 2025-03-28. Review status: criteria provided, single submitter. Criteria: Ambry Variant Classification Scheme 2023. Collection method: clinical testing. Allele origin: germline.

Labcorp Genetics (formerly Invitae), Labcorp
Classification: Uncertain significance for Cornelia de Lange syndrome 1. Last evaluated: 2023-02-11. Review status: criteria provided, single submitter. Criteria: Invitae Variant Classification Sherloc (09022015). Collection method: clinical testing. Allele origin: germline.
Comment: In summary, the available evidence is currently insufficient to determine the role of this variant in disease. Therefore, it has been classified as a Variant of Uncertain Significance. Advanced modeling of protein sequence and biophysical properties (such as structural, functional, and spatial information, amino acid conservation, physicochemical variation, residue mobility, and thermodynamic stability) has been performed at Invitae for this missense variant, however the output from this modeling did not meet the statistical confidence thresholds required to predict the impact of this variant on NIPBL protein function. ClinVar contains an entry for this variant (Variation ID: 1331030). This variant has not been reported in the literature in individuals affected with NIPBL-related conditions. This variant is present in population databases (rs774109272, gnomAD 0.004%). This sequence change replaces threonine, which is neutral and polar, with lysine, which is basic and polar, at codon 1684 of the NIPBL protein (p.Thr1684Lys).

ARUP Laboratories, Molecular Genetics and Genomics, ARUP Laboratories
Classification: Uncertain significance for Cornelia de Lange syndrome 1. Last evaluated: 2021-10-21. Review status: criteria provided, single submitter. Criteria: ARUP Molecular Germline Variant Investigation Process 2021. Collection method: clinical testing. Allele origin: germline.